The following is an entry in ClinVar:

NM_001098511.3(KIF2A):c.1433G>C (p.Gly478Ala)

Gene: KIF2A (kinesin family member 2A; plus strand). Cytogenetic location: 5q12.1.
Variant type: single nucleotide variant.
Coding change: c.1433G>C on transcript NM_001098511.3 (MANE Select); coding-DNA position 1433, G replaced by C.
Protein change: p.Gly478Ala; replaces glycine 478 with alanine.
Molecular consequence: missense variant.
Genome position (GRCh38, 1-based): chr5:62,363,865, G>C. VCF-style: chr5-62363865-G-C. GRCh37 (hg19) VCF-style: chr5-61659692-G-C.
Other names: c.1352G>C, p.Gly451Ala (NM_001243952.2); c.1376G>C, p.Gly459Ala (NM_001243953.2); c.1433G>C, p.Gly478Ala (NM_004520.5); short protein forms G459A, G478A, G451A.
Identifiers: ClinVar variation 2757959 (VCV002757959.3), dbSNP rs2531358195, ClinGen allele CA359951587.

ClinVar aggregate classification (germline): Uncertain significance (1 of 4 stars; one submission).

Submission:

Labcorp Genetics (formerly Invitae), Labcorp
Classification: Uncertain significance. Last evaluated: 2023-09-04. Review status: criteria provided, single submitter. Criteria: Invitae Variant Classification Sherloc (09022015). Collection method: clinical testing. Allele origin: germline.
Comment: This variant has not been reported in the literature in individuals affected with KIF2A-related conditions. In summary, the available evidence is currently insufficient to determine the role of this variant in disease. Therefore, it has been classified as a Variant of Uncertain Significance. An algorithm developed to predict the effect of missense changes on protein structure and function (PolyPhen-2) suggests that this variant is likely to be disruptive. This variant is not present in population databases (gnomAD no frequency). This sequence change replaces glycine, which is neutral and non-polar, with alanine, which is neutral and non-polar, at codon 478 of the KIF2A protein (p.Gly478Ala).